The following is an entry in ClinVar:

NM_015450.3(POT1):c.103C>G (p.Pro35Ala)

Gene: POT1 (protection of telomeres 1; minus strand). Cytogenetic location: 7q31.33.
Variant type: single nucleotide variant.
Coding change: c.103C>G on transcript NM_015450.3 (MANE Select); coding-DNA position 103, C replaced by G.
Protein change: p.Pro35Ala; replaces proline 35 with alanine.
Molecular consequence: missense variant. On other transcripts: 5 prime UTR variant (1), non-coding transcript variant (3).
Genome position (GRCh38, 1-based): chr7:124,892,287, G>C on the plus strand (C>G on the coding strand, the complement: POT1 is on the minus strand). VCF-style: chr7-124892287-G-C. GRCh37 (hg19) VCF-style: chr7-124532341-G-C.
Other names: c.-160C>G (NM_001042594.2); short protein forms P35A.
Identifiers: ClinVar variation 1057118 (VCV001057118.9), dbSNP rs2116629585, ClinGen allele CA369066014.

ClinVar aggregate classification (germline): Uncertain significance (1 of 4 stars; one submission).

Conditions:
Tumor predisposition syndrome 3 (TPDS3). Also called: Melanoma, cutaneous malignant, susceptibility to, 10; Glioma susceptibility 9; LONG TELOMERE SYNDROME, POT1-RELATED; POT1 Tumor Predisposition. Identifiers: Orphanet 618, MedGen C4014476, MONDO:0014368, OMIM 615848.

Submission:

Labcorp Genetics (formerly Invitae), Labcorp
Classification: Uncertain significance for Tumor predisposition syndrome 3. Last evaluated: 2020-07-23. Review status: criteria provided, single submitter. Criteria: Invitae Variant Classification Sherloc (09022015). Collection method: clinical testing. Allele origin: germline.
Comment: Algorithms developed to predict the effect of missense changes on protein structure and function are either unavailable or do not agree on the potential impact of this missense change (SIFT: "Deleterious"; PolyPhen-2: "Probably Damaging"; Align-GVGD: "Class C0"). In summary, the available evidence is currently insufficient to determine the role of this variant in disease. Therefore, it has been classified as a Variant of Uncertain Significance. This variant has not been reported in the literature in individuals with POT1-related conditions. This variant is not present in population databases (ExAC no frequency). This sequence change replaces proline with alanine at codon 35 of the POT1 protein (p.Pro35Ala). The proline residue is highly conserved and there is a small physicochemical difference between proline and alanine.